The following is an entry in ClinVar:

NM_002775.5(HTRA1):c.859T>C (p.Ser287Pro)

Gene: HTRA1 (HtrA serine peptidase 1; plus strand). Cytogenetic location: 10q26.13.
Variant type: single nucleotide variant.
Coding change: c.859T>C on transcript NM_002775.5 (MANE Select); coding-DNA position 859, T replaced by C.
Protein change: p.Ser287Pro; replaces serine 287 with proline.
Molecular consequence: missense variant.
Genome position (GRCh38, 1-based): chr10:122,506,772, T>C. VCF-style: chr10-122506772-T-C. GRCh37 (hg19) VCF-style: chr10-124266288-T-C.
Other names: short protein forms S287P.
Identifiers: ClinVar variation 2714194 (VCV002714194.3), dbSNP rs2497648417, ClinGen allele CA378585547.
Genomic context (GRCh38, chr10:122,506,772, plus strand): 5'-CTTGGCCGCTCCTCAGAGCTGCGGCCGGGAGAGTTCGTGGTCGCCATCGGAAGCCCGTTT[T>C]CCCTTCAAAACACAGTCACCACCGGGATCGTGAGCACCACCCAGCGAGGCGGCAAAGAGC-3'
Protein context (NP_002766.1, residues 277-297): EFVVAIGSPF[Ser287Pro]LQNTVTTGIV

ClinVar aggregate classification (germline): Uncertain significance (1 of 4 stars; one submission).

Submission:

Labcorp Genetics (formerly Invitae), Labcorp
Classification: Uncertain significance. Last evaluated: 2024-01-30. Review status: criteria provided, single submitter. Criteria: Invitae Variant Classification Sherloc (09022015). Collection method: clinical testing. Allele origin: germline.
Comment: This sequence change replaces serine, which is neutral and polar, with proline, which is neutral and non-polar, at codon 287 of the HTRA1 protein (p.Ser287Pro). This variant is not present in population databases (gnomAD no frequency). This variant has not been reported in the literature in individuals affected with HTRA1-related conditions. Advanced modeling of protein sequence and biophysical properties (such as structural, functional, and spatial information, amino acid conservation, physicochemical variation, residue mobility, and thermodynamic stability) performed at Invitae indicates that this missense variant is not expected to disrupt HTRA1 protein function with a negative predictive value of 80%. In summary, the available evidence is currently insufficient to determine the role of this variant in disease. Therefore, it has been classified as a Variant of Uncertain Significance.